The following is an entry in ClinVar:

NM_001002916.5(H2BW1):c.175C>T (p.Arg59Trp)

Gene: H2BW1 (H2B.W histone 1; minus strand). Cytogenetic location: Xq22.2.
Variant type: single nucleotide variant.
Coding change: c.175C>T on transcript NM_001002916.5 (MANE Select); coding-DNA position 175, C replaced by T.
Protein change: p.Arg59Trp; replaces arginine 59 with tryptophan.
Molecular consequence: missense variant.
Genome position (GRCh38, 1-based): chrX:104,013,402, G>A on the plus strand (C>T on the coding strand, the complement: H2BW1 is on the minus strand). VCF-style: chrX-104013402-G-A. GRCh37 (hg19) VCF-style: chrX-103267974-G-A.
Other names: short protein forms R59W.
Identifiers: ClinVar variation 3055954 (VCV003055954.2), dbSNP rs17332043, ClinGen allele CA10479256.
Genomic context (GRCh38, chrX:104,013,402, plus strand): 5'-CCATGACACTCACGGCCTCCCGGGAAAGGCTGAGGCCCTGGTGAACCTGCTTCAGCACCC[G>A]GCGGAAATAGGTGGCGAAGCTGTCCCCGCGGCAGTTGGAGTGGCACCTGCGGGGCCCATG-3'
Protein context (NP_001002916.4, residues 49-69): RGDSFATYFR[Arg59Trp]VLKQVHQGLS

ClinVar aggregate classification (germline): Benign (0 of 4 stars; one submission).

Conditions:
H2BW1-related disorder. Also called: H2BW1-related condition.

Allele frequency attached by ClinVar (database versions not stated): 1000 Genomes Project 30x 0.00624; 1000 Genomes Project 0.00689; ExAC 0.01607; TOPMed 0.01669; gnomAD 0.01670; ESP Exome Variant Server 0.01884; gnomAD exomes 0.02347.
gnomAD v4.1: 27,392 of 1,210,876 alleles (2.3%); highest among the groups gnomAD compares: Non-Finnish European, 2.8%; 265 homozygotes.

Submission:

PreventionGenetics, part of Exact Sciences
Classification: Benign for H2BW1-related condition. Last evaluated: 2019-09-30. Review status: no assertion criteria provided. Collection method: clinical testing. Allele origin: germline.
Comment: This variant is classified as benign based on ACMG/AMP sequence variant interpretation guidelines (Richards et al. 2015 PMID: 25741868, with internal and published modifications).